The following is an entry in ClinVar:

ClinVar aggregate classification (germline): Benign. Review status: criteria provided, multiple submitters, no conflicts (2 of 4 stars). 2 submissions from 2 submitters: Benign (2). Last evaluated 2018-01-13.

Conditions:
Generalized epilepsy-paroxysmal dyskinesia syndrome (PNKD3). Also called: Paroxysmal nonkinesigenic dyskinesia, 3, with or without generalized epilepsy; Generalized epilepsy and paroxysmal dyskinesia. Identifiers: Orphanet 79137, MedGen C5574945, MONDO:0012276, OMIM 609446.

Allele frequency attached by ClinVar (database versions not stated): 1000 Genomes Project 0.71466; 1000 Genomes Project 30x 0.72330; gnomAD exomes 0.78335; TOPMed 0.79501; gnomAD 0.82683.
gnomAD v4.1: 680,061 of 865,032 alleles (79%); highest among the groups gnomAD compares: African/African-American, 91%; 268,856 homozygotes.

Submissions (2):

Illumina Laboratory Services, Illumina
Classification: Benign for Generalized epilepsy-paroxysmal dyskinesia syndrome. Last evaluated: 2018-01-13. Review status: criteria provided, single submitter. Criteria: ICSL Variant Classification Criteria 13 December 2019. Collection method: clinical testing. Allele origin: germline.
Comment: This variant was observed in the ICSL laboratory as part of a predisposition screen in an ostensibly healthy population. It had not been previously curated by ICSL or reported in the Human Gene Mutation Database (HGMD: prior to June 1st, 2018), and was therefore a candidate for classification through an automated scoring system. Utilizing variant allele frequency, disease prevalence and penetrance estimates, and inheritance mode, an automated score was calculated to assess if this variant is too frequent to cause the disease. Based on the score and internal cut-off values, a variant classified as benign is not then subjected to further curation. The score for this variant resulted in a classification of benign for this disease.

Breakthrough Genomics
Classification: Benign. Review status: criteria provided, single submitter. Criteria: ACMG Guidelines, 2015. Collection method: not provided. Allele origin: germline. Inheritance: Autosomal recessive inheritance. Affected: yes.

NM_001161352.2(KCNMA1):c.*1957C>T

Gene: KCNMA1 (potassium calcium-activated channel subfamily M alpha 1; minus strand). Cytogenetic location: 10q22.3.
Variant type: single nucleotide variant.
Coding change: c.*1957C>T on transcript NM_001161352.2 (MANE Select); 1957 bases downstream of the stop codon, C replaced by T.
Molecular consequence: 3 prime UTR variant. On other transcripts: intron variant (7).
Genome position (GRCh38, 1-based): chr10:76,885,309, G>A on the plus strand (C>T on the coding strand, the complement: KCNMA1 is on the minus strand). VCF-style: chr10-76885309-G-A. GRCh37 (hg19) VCF-style: chr10-78645067-G-A.
Other names: c.*1957C>T (NM_001161353.2, NM_001271519.2, NM_001322836.2 and 2 more transcripts); c.3362+1982C>T (NM_001271518.2); c.3512+1982C>T (NM_001322832.2); c.3521+1982C>T (NM_001322829.2); c.3524+1982C>T (NM_001014797.3); c.3605+1982C>T (NM_001322835.2); c.3614+1982C>T (NM_001322830.2); c.3059+1982C>T (NM_001322838.2).
Identifiers: ClinVar variation 300927 (VCV000300927.6), dbSNP rs7073015, ClinGen allele CA10636022.
Genomic context (GRCh38, chr10:76,885,309, plus strand): 5'-ATAATTATATATAGTTTATATAAAGAGATAGTTATACATAATATAAATCAATATATAGAG[G>A]GACAAAAATAATTTGAAAAAATTCTTCCACTCATAGGGCTTGATAATTTACATGTATACA-3'